The following is an entry in ClinVar:

NM_003924.4(PHOX2B):c.487G>C (p.Ala163Pro)

Gene: PHOX2B (paired like homeobox 2B; minus strand). Cytogenetic location: 4p13.
Variant type: single nucleotide variant.
Coding change: c.487G>C on transcript NM_003924.4 (MANE Select); coding-DNA position 487, G replaced by C.
Protein change: p.Ala163Pro; replaces alanine 163 with proline.
Molecular consequence: missense variant.
Genome position (GRCh38, 1-based): chr4:41,746,265, C>G on the plus strand (G>C on the coding strand, the complement: PHOX2B is on the minus strand). VCF-style: chr4-41746265-C-G. GRCh37 (hg19) VCF-style: chr4-41748282-C-G.
Other names: short protein forms A163P.
Identifiers: ClinVar variation 5026534 (VCV005026534.1).

ClinVar aggregate classification (germline): Uncertain significance (1 of 4 stars; one submission).

Conditions:
Hereditary cancer-predisposing syndrome. Also called: Neoplastic Syndromes, Hereditary; Tumor predisposition; Hereditary neoplastic syndrome; Hereditary Cancer Syndrome. Identifiers: Orphanet 140162, MedGen C0027672, MeSH D009386, MONDO:0015356.

Submission:

Ambry Genetics
Classification: Uncertain significance for Hereditary cancer-predisposing syndrome. Last evaluated: 2026-07-06. Review status: criteria provided, single submitter. Criteria: Ambry Variant Classification Scheme 2023. Collection method: clinical testing. Allele origin: germline.
Comment: The p.A163P variant (also known as c.487G>C), located in coding exon 3 of the PHOX2B gene, results from a G to C substitution at nucleotide position 487. The alanine at codon 163 is replaced by proline, an amino acid with highly similar properties. This amino acid position is conserved. In addition, the in silico prediction for this alteration is inconclusive. Based on the available evidence, the clinical significance of this variant remains unclear.